The following is an entry in ClinVar:

ClinVar aggregate classification (germline): Uncertain significance. Review status: criteria provided, multiple submitters, no conflicts (2 of 4 stars). 2 submissions from 2 submitters: Uncertain significance (2). Last evaluated 2023-09-01.

Conditions:
Inborn genetic diseases. Identifiers: MedGen C0950123, MeSH D030342.

Allele frequency attached by ClinVar (database versions not stated): TOPMed 0.00001; gnomAD 0.00002; gnomAD exomes 0.00005.
gnomAD v4.1: 69 of 1,560,098 alleles (0.0044%); highest among the groups gnomAD compares: Non-Finnish European, 0.0057%; no homozygotes.

Submissions (2):

CeGaT Center for Human Genetics Tuebingen
Classification: Uncertain significance. Last evaluated: 2023-09-01. Review status: criteria provided, single submitter. Criteria: CeGaT Center For Human Genetics Tuebingen Variant Classification Criteria Version 2. Collection method: clinical testing. Allele origin: germline. Affected: yes. Observed: 1 variant allele.
Comment: MYT1L: PM2:Supporting

Ambry Genetics
Classification: Uncertain significance for Inborn genetic diseases. Last evaluated: 2022-08-26. Review status: criteria provided, single submitter. Criteria: Ambry Variant Classification Scheme 2023. Collection method: clinical testing. Allele origin: germline.

NM_001303052.2(MYT1L):c.224G>A (p.Arg75Gln)

Gene: MYT1L (myelin transcription factor 1 like; minus strand). Cytogenetic location: 2p25.3.
Variant type: single nucleotide variant.
Coding change: c.224G>A on transcript NM_001303052.2 (MANE Select); coding-DNA position 224, G replaced by A.
Protein change: p.Arg75Gln; replaces arginine 75 with glutamine.
Molecular consequence: missense variant.
Genome position (GRCh38, 1-based): chr2:1,943,263, C>T on the plus strand (G>A on the coding strand, the complement: MYT1L is on the minus strand). VCF-style: chr2-1943263-C-T. GRCh37 (hg19) VCF-style: chr2-1947035-C-T.
Other names: c.224G>A, p.Arg75Gln (NM_001329844.2, NM_001329845.1, NM_001329846.3 and 6 more transcripts); short protein forms R75Q.
Identifiers: ClinVar variation 2392795 (VCV002392795.26), dbSNP rs1037022282, ClinGen allele CA41443585.
Genomic context (GRCh38, chr2:1,943,263, plus strand): 5'-CCATCACTGTCGTCACACTCATCCACTGAGGAGCTGTCTGCTTTCACGGCAAATGGCTTT[C>T]GTTTAGGAGCAGGTTCCTGGGGCTGTTTATCTTGTGTTTTTCTTTTTTTCGCCAAGGGAC-3'
Protein context (NP_001289981.1, residues 65-85): DKQPQEPAPK[Arg75Gln]KPFAVKADSS